The following is an entry in ClinVar:

ClinVar aggregate classification (germline): Uncertain significance (1 of 4 stars; one submission).

Conditions:
Myofibrillar myopathy 6. Identifiers: Orphanet 199340, MedGen C2751831, MONDO:0013061, OMIM 612954.
Dilated cardiomyopathy 1HH (CMD1HH). Identifiers: Orphanet 154, MedGen C3151293, MONDO:0013479, OMIM 613881.

Submission:

Labcorp Genetics (formerly Invitae), Labcorp
Classification: Uncertain significance for Dilated cardiomyopathy 1HH; Myofibrillar myopathy 6. Last evaluated: 2025-07-21. Review status: criteria provided, single submitter. Criteria: Invitae Variant Classification Sherloc (09022015). Collection method: clinical testing. Allele origin: germline.
Comment: This sequence change replaces threonine, which is neutral and polar, with isoleucine, which is neutral and non-polar, at codon 489 of the BAG3 protein (p.Thr489Ile). This variant is not present in population databases (gnomAD no frequency). This variant has not been reported in the literature in individuals affected with BAG3-related conditions. Invitae Evidence Modeling of protein sequence and biophysical properties (such as structural, functional, and spatial information, amino acid conservation, physicochemical variation, residue mobility, and thermodynamic stability) indicates that this missense variant is not expected to disrupt BAG3 protein function with a negative predictive value of 80%. In summary, the available evidence is currently insufficient to determine the role of this variant in disease. Therefore, it has been classified as a Variant of Uncertain Significance.

NM_004281.4(BAG3):c.1466C>T (p.Thr489Ile)

Gene: BAG3 (BAG cochaperone 3; plus strand). Cytogenetic location: 10q26.11.
Variant type: single nucleotide variant.
Coding change: c.1466C>T on transcript NM_004281.4 (MANE Select); coding-DNA position 1466, C replaced by T.
Protein change: p.Thr489Ile; replaces threonine 489 with isoleucine.
Molecular consequence: missense variant.
Genome position (GRCh38, 1-based): chr10:119,677,020, C>T. VCF-style: chr10-119677020-C-T. GRCh37 (hg19) VCF-style: chr10-121436532-C-T.
Other names: short protein forms T489I.
Identifiers: ClinVar variation 4789992 (VCV004789992.1).
Genomic context (GRCh38, chr10:119,677,020, plus strand): 5'-ACCCCGAGGGACGAGCCGATGTGCGTCAGGCCAGGAGAGACGGTGTCAGGAAGGTTCAGA[C>T]CATCTTGGAAAAACTTGAACAGAAAGCCATTGATGTCCCAGGTCAAGTCCAGGTCTATGA-3'
Protein context (NP_004272.2, residues 479-499): ARRDGVRKVQ[Thr489Ile]ILEKLEQKAI